The following is an entry in ClinVar:

NC_000011.9:g.(?_108224473)_(108332286_?)del

Genes: ATM (ATM serine/threonine kinase; plus strand), C11orf65 (chromosome 11 open reading frame 65; minus strand). Cytogenetic location: 11q22.3.
Variant type: Deletion.
Identifiers: ClinVar variation 2422234 (VCV002422234.3).

ClinVar aggregate classification (germline): Pathogenic (1 of 4 stars; one submission).

Conditions:
Ataxia-telangiectasia syndrome (AT). Also called: Cerebello-oculocutaneous telangiectasia; Immunodeficiency with ataxia telangiectasia; Ataxia-telangiectasia; AT, COMPLEMENTATION GROUP C; Ataxia telangiectasia (A-T); LOUIS-BAR SYNDROME. Identifiers: Orphanet 100, MedGen C0004135, MONDO:0008840, OMIM 208900.

Submission:

Labcorp Genetics (formerly Invitae), Labcorp
Classification: Pathogenic for Ataxia-telangiectasia syndrome. Last evaluated: 2022-10-23. Review status: criteria provided, single submitter. Criteria: Invitae Variant Classification Sherloc (09022015). Collection method: clinical testing. Allele origin: germline.
Comment: This variant is a gross deletion of the genomic region encompassing exon(s) 60-63 of the ATM gene, which includes the termination codon. This deletion extends beyond the assayed region for this gene and therefore may encompass additional genes. While this deletion is not anticipated to lead to nonsense mediated decay, it is expected to alter mRNA translation or result in a truncated protein product. This variant has not been reported in the literature in individuals affected with ATM-related conditions. This variant disrupts a region of the ATM protein in which other variant(s) (p.Arg3008Cys) have been determined to be pathogenic (PMID: 9872980, 10817650, 12552566, 15101044, 18573109, 30549301). This suggests that this is a clinically significant region of the protein, and that variants that disrupt it are likely to be disease-causing. For these reasons, this variant has been classified as Pathogenic.

Literature cited by the submitters: PubMed 9872980; PubMed 10817650; PubMed 12552566; PubMed 15101044; PubMed 18573109; PubMed 30549301.